The following is an entry in ClinVar:

ClinVar aggregate classification (germline): Pathogenic (0 of 4 stars; one submission).

Conditions:
Fanconi anemia complementation group A (FANCA). Also called: Fanconi anemia, group A; FANCA-Related Fanconi Anemia. Identifiers: Orphanet 84, MedGen C3469521, MONDO:0009215, OMIM 227650.

Submission:

Leiden Open Variation Database
Classification: Pathogenic for Fanconi anemia complementation group A. Last evaluated: 2020-02-28. Review status: no assertion criteria provided. Collection method: curation. Allele origin: germline. Affected: yes.
Comment: Curator: Arleen D. Auerbach. Submitters to LOVD: Arleen D. Auerbach, Daniela Pilonetto, Johan de Winter.

Literature cited by the submitters: PubMed 08896563; PubMed 08896564; PubMed 16084127; PubMed 17924555; PubMed 25168418.

NC_000016.10:g.(89762023_89764889)_(89773385_89775741)del

Gene: FANCA (FA complementation group A; minus strand). Cytogenetic location: 16q24.3.
Variant type: Deletion.
Identifiers: ClinVar variation 974134 (VCV000974134.1).